The following is an entry in ClinVar:

ClinVar aggregate classification (germline): Conflicting classifications of pathogenicity. Review status: criteria provided, conflicting classifications (1 of 4 stars). 5 submissions from 5 submitters: Uncertain significance (3); Likely benign (2). Last evaluated 2025-06-22.

Conditions:
Cardiovascular phenotype. Identifiers: MedGen CN230736.
Dilated cardiomyopathy 1G (CMD1G). Identifiers: Orphanet 154, MedGen C1858763, MONDO:0011400, OMIM 604145.
Autosomal recessive limb-girdle muscular dystrophy type 2J (LGMDR10). Also called: Limb-girdle muscular dystrophy, type 2J; MUSCULAR DYSTROPHY, LIMB-GIRDLE, AUTOSOMAL RECESSIVE 10. Identifiers: Orphanet 140922, MedGen C1837342, MONDO:0012127, OMIM 608807.
Hypertrophic cardiomyopathy 9. Also called: Familial hypertrophic cardiomyopathy 9. Identifiers: MedGen C1861065, MONDO:0013412, OMIM 613765.
Early-onset myopathy with fatal cardiomyopathy (CMYO5). Also called: Salih Myopathy; CONGENITAL MYOPATHY 5 WITH CARDIOMYOPATHY. Identifiers: Orphanet 289377, MedGen C2673677, MONDO:0012714, OMIM 611705. Disease mechanism: loss of function.

Allele frequency attached by ClinVar (database versions not stated): gnomAD 0.00004; TOPMed 0.00004; ExAC 0.00005; gnomAD exomes 0.00006 and 0.00011.
gnomAD v4.1: 159 of 1,613,768 alleles (0.0099%); highest among the groups gnomAD compares: East Asian, 0.02%; no homozygotes.

Submissions (5):

Labcorp Genetics (formerly Invitae), Labcorp
Classification: Uncertain significance for Dilated cardiomyopathy 1G; Autosomal recessive limb-girdle muscular dystrophy type 2J. Last evaluated: 2025-06-22. Review status: criteria provided, single submitter. Criteria: Invitae Variant Classification Sherloc (09022015). Collection method: clinical testing. Allele origin: germline.
Comment: This sequence change replaces valine, which is neutral and non-polar, with isoleucine, which is neutral and non-polar, at codon 35643 of the TTN protein (p.Val35643Ile). This variant is present in population databases (rs754459138, gnomAD 0.05%). This variant has not been reported in the literature in individuals affected with TTN-related conditions. ClinVar contains an entry for this variant (Variation ID: 203108). An algorithm developed to predict the effect of missense changes on protein structure and function outputs the following: PolyPhen-2: "Not Available". The isoleucine amino acid residue is found in multiple mammalian species, which suggests that this missense change does not adversely affect protein function. This variant is located in the M band of TTN (PMID: 25589632). Non-truncating variants in this region may be relevant for neuromuscular disorders, but have not been definitively shown to cause cardiomyopathy (PMID: 23975875). In summary, the available evidence is currently insufficient to determine the role of this variant in disease. Therefore, it has been classified as a Variant of Uncertain Significance.

Clinical Genomics Laboratory, Washington University in St. Louis
Classification: Uncertain significance for Autosomal recessive limb-girdle muscular dystrophy type 2J; Dilated cardiomyopathy 1G; Early-onset myopathy with fatal cardiomyopathy; Hypertrophic cardiomyopathy 9. Last evaluated: 2023-07-03. Review status: criteria provided, single submitter. Criteria: ACMG Guidelines, 2015. Collection method: clinical testing. Allele origin: germline.
Comment: The TTN c.106927G>A (p.Val35643Ile) variant, to our knowledge, has not been reported in the medical literature but has been reported in the ClinVar database as a germline likely benign variant by two submitters and a variant of uncertain significance by two submitters. The highest population minor allele frequency in the population database genome aggregation database (v.2.1.1) is 0.05% in the East Asian population. Computational predictors suggest that the variant does not impact TTN function. Additionally, this variant is located in the M band of TTN and variants in this region may be relevant for neuromuscular disorders, but have not been definitively associated with cardiomyopathy (Ceyhan-Birsoy O et al. Neurology. 2013;81(14):1205-14. PMID: 23975875; Roberts AM et al., PMID: 25589632). Due to limited information, and based on ACMG/AMP guidelines for variant interpretation (Richards S et al., PMID: 25741868), the clinical significance of this variant is uncertain at this time.

Ambry Genetics
Classification: Likely benign for Cardiovascular phenotype. Last evaluated: 2020-09-10. Review status: criteria provided, single submitter. Criteria: Ambry Variant Classification Scheme 2023. Collection method: clinical testing. Allele origin: germline.

GeneDx
Classification: Likely benign. Last evaluated: 2018-03-15. Review status: criteria provided, single submitter. Criteria: GeneDx Variant Classification Process June 2021. Collection method: clinical testing. Allele origin: germline. Affected: yes.

Eurofins Ntd Llc (ga)
Classification: Uncertain significance. Last evaluated: 2017-06-06. Review status: criteria provided, single submitter. Criteria: EGL Classification Definitions 2015. Collection method: clinical testing. Allele origin: germline. Observed: 2 variant alleles, 2 heterozygotes.

Literature cited by the submitters: PubMed 25589632 (cited by Labcorp Genetics (formerly Invitae), Labcorp); PubMed 23975875 (cited by Labcorp Genetics (formerly Invitae), Labcorp).

NM_001267550.2(TTN):c.106927G>A (p.Val35643Ile)

Genes: TTN (titin; minus strand), TTN-AS1 (TTN antisense RNA 1; plus strand). Cytogenetic location: 2q31.2.
Variant type: single nucleotide variant.
Coding change: c.106927G>A on transcript NM_001267550.2 (MANE Select); coding-DNA position 106927, G replaced by A.
Protein change: p.Val35643Ile; replaces valine 35643 with isoleucine.
Molecular consequence: missense variant.
Genome position (GRCh38, 1-based): chr2:178,528,824, C>T on the plus strand (G>A on the coding strand, the complement: TTN is on the minus strand). VCF-style: chr2-178528824-C-T. GRCh37 (hg19) VCF-style: chr2-179393551-C-T.
Other names: p.V34002I:GTA>ATA; c.102004G>A, p.Val34002Ile (NM_001256850.1); c.79732G>A, p.Val26578Ile (NM_003319.4); c.99223G>A, p.Val33075Ile (NM_133378.4); c.80107G>A, p.Val26703Ile (NM_133432.3); c.80308G>A, p.Val26770Ile (NM_133437.4); short protein forms V34002I, V35643I, V33075I, V26578I, V26770I, V26703I.
Identifiers: ClinVar variation 203108 (VCV000203108.19), dbSNP rs754459138, ClinGen allele CA311266.